The following is an entry in ClinVar:

NM_000059.4(BRCA2):c.343A>G (p.Lys115Glu)

Gene: BRCA2 (BRCA2 DNA repair associated; plus strand). Cytogenetic location: 13q13.1.
Variant type: single nucleotide variant.
Coding change: c.343A>G on transcript NM_000059.4 (MANE Select); coding-DNA position 343, A replaced by G.
Protein change: p.Lys115Glu; replaces lysine 115 with glutamic acid.
Molecular consequence: missense variant.
Genome position (GRCh38, 1-based): chr13:32,325,102, A>G. VCF-style: chr13-32325102-A-G. GRCh37 (hg19) VCF-style: chr13-32899239-A-G.
Other names: p.K115E:AAA>GAA; short protein forms K115E.
Identifiers: ClinVar variation 51463 (VCV000051463.32), dbSNP rs56242644, ClinGen allele CA018014.

ClinVar aggregate classification (germline): Conflicting classifications of pathogenicity. Review status: criteria provided, conflicting classifications (1 of 4 stars). 10 submissions from 10 submitters: Uncertain significance (6); Likely benign (2). 2 of the submissions do not count toward it. Last evaluated 2026-02-25.

Conditions:
Hereditary cancer-predisposing syndrome. Also called: Hereditary neoplastic syndrome; Neoplastic Syndromes, Hereditary; Hereditary Cancer Syndrome; Tumor predisposition. Identifiers: Orphanet 140162, MedGen C0027672, MeSH D009386, MONDO:0015356.
Hereditary breast ovarian cancer syndrome. Also called: Hereditary breast and ovarian cancer syndrome (HBOC); Breast and ovarian cancer; Hereditary breast and ovarian cancer syndrome; BRCA1- and BRCA2-Associated Hereditary Breast and Ovarian Cancer; Hereditary breast and/or ovarian cancer syndrome; Hereditary breast and ovarian cancer. Identifiers: Orphanet 145, MedGen C0677776, MeSH D061325, MONDO:0003582. Disease mechanism: loss of function.
Breast-ovarian cancer, familial, susceptibility to, 2 (BROVCA2). Also called: BRCA2 Hereditary Breast and Ovarian Cancer. Identifiers: Orphanet 145, MedGen C2675520, MONDO:0012933, OMIM 612555. Disease mechanism: loss of function.

Allele frequency attached by ClinVar (database versions not stated): gnomAD exomes 0.00001 and 0.00002; TOPMed 0.00001.
gnomAD v4.1: 32 of 1,602,198 alleles (0.002%); highest among the groups gnomAD compares: Non-Finnish European, 0.0024%; no homozygotes.

Submissions (10):

Women's Health and Genetics/Laboratory Corporation of America, LabCorp
Classification: Uncertain significance. Last evaluated: 2026-02-25. Review status: criteria provided, single submitter. Criteria: LabCorp Variant Classification Summary - May 2015. Collection method: clinical testing. Allele origin: germline.
Comment: Variant summary: BRCA2 c.343A>G (p.Lys115Glu) results in a conservative amino acid change in the encoded protein sequence. Algorithms developed to predict the effect of missense changes on protein structure and function all suggest that this variant is likely to be tolerated. The variant allele was found at a frequency of 8e-06 in 251004 control chromosomes. The available data on variant occurrences in the general population are insufficient to allow any conclusion about variant significance. c.343A>G has been observed in individuals affected with esophageal or ovarian cancer and at least one individual undergoing genetic testing for suspected Hereditary Breast And Ovarian Cancer Syndrome (e.g. Hu_2003, Marchetti_2018, Chrysafi_2023). These reports do not provide unequivocal conclusions about association of the variant with Hereditary Breast And Ovarian Cancer Syndrome. A co-occurrence with a pathogenic variant has been reported (BRCA1 c.3869_3870delAA, p.Lys1290fsX4), providing supporting evidence for a benign role. To our knowledge, no experimental evidence demonstrating an impact on protein function has been reported. The following publications have been ascertained in the context of this evaluation (PMID: 28526081, 38136308, 33471991, 12670525, 30128899). ClinVar contains an entry for this variant (Variation ID: 51463). Based on the evidence outlined above, the variant was classified as uncertain significance.

Labcorp Genetics (formerly Invitae), Labcorp
Classification: Uncertain significance for Hereditary breast ovarian cancer syndrome. Last evaluated: 2026-01-05. Review status: criteria provided, single submitter. Criteria: Invitae Variant Classification Sherloc (09022015). Collection method: clinical testing. Allele origin: germline.
Comment: This sequence change replaces lysine, which is basic and polar, with glutamic acid, which is acidic and polar, at codon 115 of the BRCA2 protein (p.Lys115Glu). This variant is present in population databases (rs56242644, gnomAD 0.002%). This missense change has been observed in individual(s) with esophageal cancer and/or ovarian cancer (PMID: 12670525, 30128899). ClinVar contains an entry for this variant (Variation ID: 51463). Invitae Evidence Modeling of protein sequence and biophysical properties (such as structural, functional, and spatial information, amino acid conservation, physicochemical variation, residue mobility, and thermodynamic stability) indicates that this missense variant is not expected to disrupt BRCA2 protein function with a negative predictive value of 95%. In summary, the available evidence is currently insufficient to determine the role of this variant in disease. Therefore, it has been classified as a Variant of Uncertain Significance.

Ambry Genetics
Classification: Uncertain significance for Hereditary cancer-predisposing syndrome. Last evaluated: 2025-04-23. Review status: criteria provided, single submitter. Criteria: Ambry Variant Classification Scheme 2023. Collection method: clinical testing. Allele origin: germline.
Comment: The p.K115E variant (also known as c.343A>G), located in coding exon 3 of the BRCA2 gene, results from an A to G substitution at nucleotide position 343. The lysine at codon 115 is replaced by glutamic acid, an amino acid with similar properties. This alteration was detected in an individual diagnosed with high-grade serous ovarian cancer (Marchetti C et al, 2018 Nov;25:3701-3708). This alteration was classified as likely benign based on a multifactorial analysis model of variant classification (Parsons MT et al, 2019 09;40:1557-1578). This amino acid position is not well conserved in available vertebrate species. In addition, this alteration is predicted to be tolerated by in silico analysis. Based on the available evidence, the clinical significance of this variant remains unclear.

Mayo Clinic Laboratories, Mayo Clinic
Classification: Likely benign. Last evaluated: 2025-02-21. Review status: criteria provided, single submitter. Criteria: ACMG Guidelines, 2015. Collection method: clinical testing. Allele origin: germline. Observed: 2 variant alleles.
Comment: BP1_strong, BP5

Sema4
Classification: Uncertain significance for Hereditary cancer-predisposing syndrome. Last evaluated: 2021-12-06. Review status: criteria provided, single submitter. Criteria: Sema4 Curation Guidelines. Collection method: curation. Allele origin: germline.
Comment: The BRCA2 c.343A>G (p.K115E) variant has been reported in 3 individuals with kidney renal clear cell carcinoma, high-grade serous ovarian cancer, and esophageal squamous cell carcinoma (PMID: 29684080, 30128899, 12670525), as well as in individuals with tumors who were tested for germline variants in the MSK-IMPACT study (PMID: 28526081). It has also been reported in 1/53,461 controls but not in breast cancer cases in a large dataset of 60,466 women with breast cancer (PMID 33471991). This variant was observed in 2/113448 chromosomes in the Non-Finnish European population according to the Genome Aggregation Database (PMID: 32461654). This variant has been reported in ClinVar (Variation ID 51463). Functional studies have not been performed, and in silico predictions of the variant's effect on protein function are inconclusive. The overall evidence is insufficient to meet ACMG/AMP criteria for classifying it as benign or pathogenic. In summary, the clinical significance of this variant is currently uncertain.

GeneDx
Classification: Uncertain significance. Last evaluated: 2018-11-20. Review status: criteria provided, single submitter. Criteria: GeneDx Variant Classification (06012015). Collection method: clinical testing. Allele origin: germline. Affected: yes.
Comment: This variant is denoted BRCA2 c.343A>G at the cDNA level, p.Lys115Glu (K115E) at the protein level, and results in the change of a Lysine to a Glutamic Acid (AAA>GAA). Using alternate nomenclature, this variant would be defined as BRCA2 571A>G. This variant has been observed in an individual with ovarian cancer and in at least one other individual evaluated for cancer predisposition (Cheng 2017, Marchetti 2018). BRCA2 Lys115Glu was not observed at a significant allele frequency in large population cohorts (Lek 2016). This variant is not located in a known functional domain. In silico analysis, which includes protein predictors and evolutionary conservation, supports that this variant does not alter protein structure/function. Based on currently available evidence, it is unclear whether BRCA2 Lys115Glu is a pathogenic or benign variant. We consider it to be a variant of uncertain significance.

ARUP Laboratories, Molecular Genetics and Genomics, ARUP Laboratories
Classification: Uncertain significance. Last evaluated: 2016-09-30. Review status: criteria provided, single submitter. Criteria: ARUP Molecular Germline Variant Investigation Process. Collection method: clinical testing. Allele origin: germline.

Color Diagnostics, LLC DBA Color Health
Classification: Likely benign for Hereditary cancer-predisposing syndrome. Last evaluated: 2016-05-29. Review status: criteria provided, single submitter. Criteria: ACMG Guidelines, 2015. Collection method: clinical testing. Allele origin: germline.

Counsyl
Classification: Uncertain significance for Breast-ovarian cancer, familial, susceptibility to, 2. Last evaluated: 2016-05-26. Review status: no assertion criteria provided. Collection method: clinical testing. Allele origin: unknown. Not counted in ClinVar's aggregate classification.

Breast Cancer Information Core (BIC) (BRCA2)
Classification: Uncertain significance for Breast-ovarian cancer, familial 2. Last evaluated: 2004-11-25. Review status: no assertion criteria provided. Collection method: clinical testing. Allele origin: germline. Affected: yes. Observed: 2 variant alleles. Not counted in ClinVar's aggregate classification.

Literature cited by the submitters: PubMed 12670525 (cited by 3 submitters); PubMed 28526081 (cited by Women's Health and Genetics/Laboratory Corporation of America, LabCorp and Sema4); PubMed 30128899 (cited by 4 submitters); PubMed 33471991 (cited by Women's Health and Genetics/Laboratory Corporation of America, LabCorp and Sema4); PubMed 38136308 (cited by Women's Health and Genetics/Laboratory Corporation of America, LabCorp); PubMed 29684080 (cited by Ambry Genetics and Sema4); PubMed 31131967 (cited by Ambry Genetics).